The following is an entry in ClinVar:

NM_001018005.2(TPM1):c.787C>G (p.Gln263Glu)

Gene: TPM1 (tropomyosin 1; plus strand). Cytogenetic location: 15q22.2.
Variant type: single nucleotide variant.
Coding change: c.787C>G on transcript NM_001018005.2 (MANE Select); coding-DNA position 787, C replaced by G.
Protein change: p.Gln263Glu; replaces glutamine 263 with glutamic acid.
Molecular consequence: missense variant. On other transcripts: intron variant (12).
Genome position (GRCh38, 1-based): chr15:63,064,078, C>G. VCF-style: chr15-63064078-C-G. GRCh37 (hg19) VCF-style: chr15-63356277-C-G.
Other names: p.Q263E:CAG>GAG; c.787C>G, p.Gln263Glu (NM_000366.6, NM_001301244.2, NM_001365779.1); c.679C>G, p.Gln227Glu (NM_001330346.2, NM_001365781.2, NM_001365782.1); c.898+1433C>G (NM_001365778.1); c.772+1433C>G (NM_001018020.2, NM_001018007.2, NM_001018006.2 and 3 more transcripts); c.664+1433C>G (NM_001330351.2, NM_001330344.2, NM_001018008.2 and 2 more transcripts); short protein forms Q263E, Q227E.
Identifiers: ClinVar variation 181674 (VCV000181674.11), dbSNP rs730881147, ClinGen allele CA018464.

ClinVar aggregate classification (germline): Uncertain significance. Review status: criteria provided, multiple submitters, no conflicts (2 of 4 stars). 3 submissions from 3 submitters: Uncertain significance (3). Last evaluated 2021-12-17.

Conditions:
Hypertrophic cardiomyopathy. Also called: HYPERTROPHIC MYOCARDIOPATHY. Identifiers: Orphanet 217569, MedGen C0007194, MeSH D002312, MONDO:0005045, HP:0001639.

Allele frequency attached by ClinVar (database versions not stated): gnomAD exomes below 0.00001.
gnomAD v4.1: 2 of 1,614,076 alleles (0.00012%); highest among the groups gnomAD compares: Non-Finnish European, 0.00017%; no homozygotes.

Submissions (3):

Labcorp Genetics (formerly Invitae), Labcorp
Classification: Uncertain significance for Hypertrophic cardiomyopathy. Last evaluated: 2021-12-17. Review status: criteria provided, single submitter. Criteria: Invitae Variant Classification Sherloc (09022015). Collection method: clinical testing. Allele origin: germline.
Comment: This sequence change replaces glutamine, which is neutral and polar, with glutamic acid, which is acidic and polar, at codon 263 of the TPM1 protein (p.Gln263Glu). This variant is not present in population databases (gnomAD no frequency). In summary, the available evidence is currently insufficient to determine the role of this variant in disease. Therefore, it has been classified as a Variant of Uncertain Significance. Algorithms developed to predict the effect of missense changes on protein structure and function (SIFT, PolyPhen-2, Align-GVGD) all suggest that this variant is likely to be tolerated. ClinVar contains an entry for this variant (Variation ID: 181674). This missense change has been observed in individual(s) with clinical features of TPM1-related conditions (PMID: 26688388, 31513939; Invitae).

Center for Human Genetics, University of Leuven
Classification: Uncertain significance for Hypertrophic cardiomyopathy. Last evaluated: 2018-10-31. Review status: criteria provided, single submitter. Criteria: ACMG Guidelines, 2015. Collection method: clinical testing. Allele origin: germline. Affected: yes.

GeneDx
Classification: Uncertain significance. Last evaluated: 2014-06-16. Review status: criteria provided, single submitter. Criteria: GeneDx Variant Classification (06012015). Collection method: clinical testing. Allele origin: germline. Affected: yes.
Comment: The Q263E variant has not been published as a mutation, nor has it been reported as a benign polymorphism to our knowledge. The Q263E variant was not observed in approximately 6,500 individuals of European and African American ancestry in the NHLBI Exome Sequencing Project, indicating it is not a common benign variant in these populations. The Q263E variant is a semi-conservative amino acid substitution, which may impact secondary protein structure as these residues differ in some properties. This substitution occurs at a position that is conserved across species. Nevertheless, in silico analysis predicts this variant likely does not alter the protein structure/function. Missense mutations in nearby residues have not been reported in association with disease, suggesting this region of the protein may be tolerant of change. Therefore, based on the currently available information, it is unclear whether this variant is a pathogenic mutation or a rare benign variant. The variant is found in HCM panel(s).

Literature cited by the submitters: PubMed 26688388 (cited by Labcorp Genetics (formerly Invitae), Labcorp); PubMed 31513939 (cited by Labcorp Genetics (formerly Invitae), Labcorp).